The following is an entry in ClinVar:

ClinVar aggregate classification (germline): Uncertain significance (1 of 4 stars; one submission).

Conditions:
Autosomal dominant limb-girdle muscular dystrophy type 1G (LGMDD3). Also called: Limb-girdle muscular dystrophy, type 1G; MUSCULAR DYSTROPHY, LIMB-GIRDLE, AUTOSOMAL DOMINANT 3. Identifiers: Orphanet 55596, MedGen C1836765, MONDO:0012193, OMIM 609115.

Allele frequency attached by ClinVar (database versions not stated): gnomAD exomes below 0.00001.
gnomAD v4.1: 6 of 1,508,176 alleles (0.0004%); highest among the groups gnomAD compares: South Asian, 0.0012%; no homozygotes.

Submission:

Labcorp Genetics (formerly Invitae), Labcorp
Classification: Uncertain significance for Autosomal dominant limb-girdle muscular dystrophy type 1G. Last evaluated: 2018-04-16. Review status: criteria provided, single submitter. Criteria: Invitae Variant Classification Sherloc (09022015). Collection method: clinical testing. Allele origin: germline.
Comment: This sequence change replaces arginine with leucine at codon 59 of the HNRNPDL protein (p.Arg59Leu). The arginine residue is moderately conserved and there is a moderate physicochemical difference between arginine and leucine. While this variant is not present in population databases, the frequency information is unreliable, as metrics indicate poor data quality at this position in the ExAC database. This variant has not been reported in the literature in individuals with HNRNPDL-related disease. Algorithms developed to predict the effect of missense changes on protein structure and function do not agree on the potential impact of this missense change (SIFT: "Deleterious"; PolyPhen-2: "Benign"; Align-GVGD: "Class C0"). In summary, the available evidence is currently insufficient to determine the role of this variant in disease. Therefore, it has been classified as a Variant of Uncertain Significance.

NM_031372.4(HNRNPDL):c.176G>T (p.Arg59Leu)

Gene: HNRNPDL (heterogeneous nuclear ribonucleoprotein D like; minus strand). Cytogenetic location: 4q21.22.
Variant type: single nucleotide variant.
Coding change: c.176G>T on transcript NM_031372.4 (MANE Select); coding-DNA position 176, G replaced by T.
Protein change: p.Arg59Leu; replaces arginine 59 with leucine.
Molecular consequence: missense variant. On other transcripts: non-coding transcript variant (1).
Genome position (GRCh38, 1-based): chr4:82,429,515, C>A on the plus strand (G>T on the coding strand, the complement: HNRNPDL is on the minus strand). VCF-style: chr4-82429515-C-A. GRCh37 (hg19) VCF-style: chr4-83350668-C-A.
Other names: c.176G>T, p.Arg59Leu (NM_001207000.1); short protein forms R59L.
Identifiers: ClinVar variation 1052812 (VCV001052812.9), dbSNP rs1052197802, ClinGen allele CA357172878.
Genomic context (GRCh38, chr4:82,429,515, plus strand): 5'-CGCCCTCCCTTTATAGCCGCCCCGCCCGCCAATCGGGAGGGCTGCTGGGCGGTGACGTGG[C>A]GCTGGGCCCGGCGCGCCCCCTGCCGGGCGGAGCTGGGAGCGAGCGAAGGGAGGAGCGGGG-3'
Protein context (NP_112740.1, residues 49-69): SARQGARRAQ[Arg59Leu]HVTAQQPSRL